The following is an entry in ClinVar:

NM_000051.4(ATM):c.8584+2T>C

Genes: ATM (ATM serine/threonine kinase; plus strand), C11orf65 (chromosome 11 open reading frame 65; minus strand). Cytogenetic location: 11q22.3.
Variant type: single nucleotide variant.
Coding change: c.8584+2T>C on transcript NM_000051.4 (MANE Select); the canonical splice donor site of the intron after coding-DNA position 8584, T replaced by C.
Molecular consequence: splice donor variant. On other transcripts: intron variant (2).
Genome position (GRCh38, 1-based): chr11:108,345,910, T>C. VCF-style: chr11-108345910-T-C. GRCh37 (hg19) VCF-style: chr11-108216637-T-C.
Other names: c.8584+2T>C (NM_001351834.2); c.641-36839A>G (NM_001330368.2); c.695-10618A>G (NM_001351110.2).
Identifiers: ClinVar variation 181899 (VCV000181899.22), dbSNP rs730881326, ClinGen allele CA298083.
Genomic context (GRCh38, chr11:108,345,910, plus strand): 5'-AGCTATTTGGTTTGAGAAGCGATTGGCTTATACGCGCAGTGTAGCTACTTCTTCTATTGG[T>C]AATCTTCTTGTACATATAGTAGATTGAGCACTTTGTTGTTTGGCAGGTTTTATTTTTGTT-3'

ClinVar aggregate classification (germline): Pathogenic/Likely pathogenic. Review status: criteria provided, multiple submitters, no conflicts (2 of 4 stars). 11 submissions from 11 submitters: Pathogenic (6); Likely pathogenic (4). 1 of the submissions does not count toward it. Last evaluated 2025-12-30.

Conditions:
Hereditary cancer-predisposing syndrome. Also called: Hereditary Cancer Syndrome; Tumor predisposition; Neoplastic Syndromes, Hereditary; Hereditary neoplastic syndrome. Identifiers: Orphanet 140162, MedGen C0027672, MeSH D009386, MONDO:0015356.
Familial cancer of breast. Also called: hereditary breast carcinoma; BREAST CANCER, FAMILIAL; Hereditary breast cancer. Identifiers: Orphanet 227535, MedGen C0346153, MONDO:0016419, OMIM 114480. Disease mechanism: loss of function.
Ataxia-telangiectasia syndrome (AT). Also called: ATAXIA-TELANGIECTASIA, COMPLEMENTATION GROUP A; ATAXIA-TELANGIECTASIA, FRESNO VARIANT; Ataxia-telangiectasia; Ataxia-telangiectasia, complementation group E; Cerebello-oculocutaneous telangiectasia; Immunodeficiency with ataxia telangiectasia. Identifiers: Orphanet 100, MedGen C0004135, MONDO:0008840, OMIM 208900.
Breast and/or ovarian cancer. Identifiers: MedGen CN221562.

Allele frequency attached by ClinVar (database versions not stated): gnomAD 0.00001; TOPMed below 0.00001.
gnomAD v4.1: 2 of 1,613,518 alleles (0.00012%); highest among the groups gnomAD compares: Non-Finnish European, 0.00017%; no homozygotes.

Submissions (11):

Institute of Medical Genetics and Applied Genomics, University Hospital Tübingen
Classification: Pathogenic for Familial cancer of breast. Last evaluated: 2025-12-30. Review status: criteria provided, single submitter. Criteria: ACMG Guidelines, 2015. Collection method: clinical testing. Allele origin: germline. Inheritance: Autosomal dominant inheritance. Affected: yes.

Labcorp Genetics (formerly Invitae), Labcorp
Classification: Pathogenic for Ataxia-telangiectasia syndrome. Last evaluated: 2025-12-08. Review status: criteria provided, single submitter. Criteria: Invitae Variant Classification Sherloc (09022015). Collection method: clinical testing. Allele origin: germline.
Comment: This sequence change affects a donor splice site in intron 58 of the ATM gene. RNA analysis indicates that disruption of this splice site induces altered splicing and may result in an absent or altered protein product. This variant is not present in population databases (gnomAD no frequency). Disruption of this splice site has been observed in individual(s) with clinical features of ataxia-telangiectasia, and in individual(s) with colorectal cancer (PMID: 28170084, 28195393; internal data). In at least one individual the data is consistent with being in trans (on the opposite chromosome) from a pathogenic variant. ClinVar contains an entry for this variant (Variation ID: 181899). Studies have shown that disruption of this splice site results in activation of a cryptic splice site, and produces a non-functional protein and/or introduces a premature termination codon (PMID: 28170084; internal data). For these reasons, this variant has been classified as Pathogenic.

Natera, Inc.
Classification: Pathogenic for Ataxia-telangiectasia. Last evaluated: 2025-07-12. Review status: criteria provided, single submitter. Criteria: Natera Variant Classification Schema (03/2026). Collection method: clinical testing. Allele origin: germline.
Comment: The c.8584+2T>C variant in ATM is a canonical splice donor site variant predicted to affect pre-mRNA splicing, which may result in an abnormal transcript and altered protein product. This variant is expected to result in nonsense mediated decay, truncation, or a dysfunctional protein product. This variant is rare in the general population with a frequency below the threshold expected for the associated phenotype(s). This variant has been observed in one or more individuals affected with the associated recessive disease, as either homozygous or compound heterozygous with a second variant (PMID: 39521281). Given the available evidence, this variant is classified as Pathogenic.

GeneKor MSA
Classification: Pathogenic for Hereditary cancer-predisposing syndrome. Last evaluated: 2025-05-15. Review status: criteria provided, single submitter. Criteria: ACMG Guidelines, 2015. Collection method: clinical testing. Allele origin: germline. Affected: no.
Comment: This is a single nucleotide substitution occuring two bases after exon 58 of the ATM gene c.(8584+2T>C). Variants that disrupt the consensus splice site are a relatively common cause of aberrant splicing (PMID:17576681, 9536098) and may result in an absent or disrupted protein product. Loss-of-function variants in ATM are known to be pathogenic (PMID:23807571, 25614872). This variant is present in population databases (rs730881326). This nucleotide change has been reported in the literature in colorectal cancer patients and in compound heterozygous state with another pathogenic variant in individuals with Ataxia-Telangiectasia (PMID:28170084, 28195393). ClinVar contains an entry for this alteration (VCV000181899.21). Algorithms developed to predict the effect of sequence changes on RNA splicing suggest that this variant may disrupt the consensus splice site and this prediction has been proven by experimental studies (PMID:28170084). Based on the classification criteria set by the ACMG and AMP (PMID:25741868) this variant has been classified as pathogenic.

Ambry Genetics
Classification: Pathogenic for Hereditary cancer-predisposing syndrome. Last evaluated: 2025-02-11. Review status: criteria provided, single submitter. Criteria: Ambry Variant Classification Scheme 2023. Collection method: clinical testing. Allele origin: germline.
Comment: The c.8584+2T>C intronic pathogenic mutation results from a T to C substitution two nucleotides after coding exon 57 in the ATM gene. RT-PCR demonstrated that c.8584+2T>C results in an abnormally spliced transcript that is subject to nonsense mediated mRNA decay (Balci TB et al. Clin. Genet. 2017 Sep;92(3):281-289). This alteration was also seen in a patient with familial colorectal cancer (Hansen MF et al. Clin. Genet. 2017 Oct;92(4):405-414). This nucleotide position is highly conserved in available vertebrate species. In silico splice site analysis predicts that this alteration will weaken the native splice donor site. RNA studies have demonstrated that this alteration results in abnormal splicing in the set of samples tested (Ambry internal data). This variant is considered to be rare based on population cohorts in the Genome Aggregation Database (gnomAD). Based on the supporting evidence, this alteration is interpreted as a disease-causing mutation.

Fulgent Genetics
Classification: Likely pathogenic for Familial cancer of breast; Ataxia-telangiectasia syndrome. Last evaluated: 2024-01-03. Review status: criteria provided, single submitter. Criteria: ACMG Guidelines, 2015. Collection method: clinical testing. Allele origin: germline.

Color Diagnostics, LLC DBA Color Health
Classification: Likely pathogenic for Hereditary cancer-predisposing syndrome. Last evaluated: 2022-09-12. Review status: criteria provided, single submitter. Criteria: ACMG Guidelines, 2015. Collection method: clinical testing. Allele origin: germline.
Comment: This variant causes a T to C nucleotide substitution at the +2 position of intron 58 of the ATM gene. Splice site prediction tools predict that this variant may have a significant impact on RNA splicing. This variant has been observed in the compound heterozygous state in an individual affected with ataxia-telangiectasia (PMID: 28170084). RT-PCR of samples from this individual showed an alternative splice product lacking 19 nucleotides in exon 58 which leads to nonsense-mediated mRNA decay. This variant has also been observed in an individual with a personal and family history of colorectal cancer (PMID: 28195393). This variant has not been identified in the general population by the Genome Aggregation Database (gnomAD). Loss of ATM function is a known mechanism of disease. Based on the available evidence, this variant is classified as Likely Pathogenic.

Baylor Genetics
Classification: Pathogenic for Familial cancer of breast. Last evaluated: 2021-12-14. Review status: criteria provided, single submitter. Criteria: ACMG Guidelines, 2015. Collection method: clinical testing. Allele origin: unknown.

NxGen MDx
Classification: Likely pathogenic for Hereditary cancer-predisposing syndrome. Last evaluated: 2020-05-19. Review status: criteria provided, single submitter. Criteria: ACMG Guidelines, 2015. Collection method: clinical testing. Allele origin: unknown.
Comment: This SNV (c.8584+2T>C) is predicted to disrupt a canonical splice site (PVS1). This variant is not found in genomAD exomes or genomes (PM2). Pathogenic computational predictions have been made based on computer algorithms with no conflicting benign verdicts (PP3). This variant has been observed in Hansen et al. PMID 28195393 where it was classified as pathogenic. We interpret c.8584+2T>C to be likely pathogenic.

CHEO Genetics Diagnostic Laboratory, Children's Hospital of Eastern Ontario
Classification: Likely pathogenic for Breast and/or ovarian cancer. Last evaluated: 2020-04-15. Review status: criteria provided, single submitter. Criteria: ACMG Guidelines, 2015. Collection method: clinical testing. Allele origin: germline.

Counsyl
Classification: Likely pathogenic for Ataxia-telangiectasia syndrome. Last evaluated: 2016-09-22. Review status: no assertion criteria provided. Collection method: clinical testing. Allele origin: unknown. Not counted in ClinVar's aggregate classification.

Literature cited by the submitters: PubMed 28170084 (cited by 4 submitters); PubMed 28195393 (cited by 5 submitters); PubMed 39521281 (cited by Natera, Inc.); PubMed 17576681 (cited by GeneKor MSA); PubMed 9536098 (cited by GeneKor MSA); PubMed 23807571 (cited by GeneKor MSA); PubMed 25614872 (cited by GeneKor MSA).